The following is an entry in ClinVar:

NM_000256.3(MYBPC3):c.333dup (p.Glu112Ter)

Gene: MYBPC3 (myosin binding protein C3; minus strand). Cytogenetic location: 11p11.2.
Variant type: Duplication.
Coding change: c.333dup on transcript NM_000256.3 (MANE Select); coding-DNA position 333, one base duplicated (T; older notation c.333dupT).
Protein change: p.Glu112Ter; replaces glutamic acid 112 with a stop codon.
Molecular consequence: nonsense.
Genome position (GRCh38, 1-based): chr11:47,350,575, A duplicated on the plus strand (T on the coding strand, the reverse complement: MYBPC3 is on the minus strand). VCF-style (leftmost placement, unchanged base first): chr11-47350574-C-CA. GRCh37 (hg19) VCF-style: chr11-47372125-C-CA.
Other names: NM_000256.3:c.333dupT; p.Glu112X; c.333_334insT (NM_000256.3); short protein forms E112*.
Identifiers: ClinVar variation 177675 (VCV000177675.7), dbSNP rs730880335, ClinGen allele CA013994.

ClinVar aggregate classification (germline): Pathogenic/Likely pathogenic. Review status: criteria provided, multiple submitters, no conflicts (2 of 4 stars). 3 submissions from 3 submitters: Pathogenic (1); Likely pathogenic (1). 1 of the submissions does not count toward it. Last evaluated 2024-11-21.

Conditions:
Cardiovascular phenotype. Identifiers: MedGen CN230736.
Hypertrophic cardiomyopathy. Also called: HYPERTROPHIC MYOCARDIOPATHY. Identifiers: Orphanet 217569, MedGen C0007194, MeSH D002312, MONDO:0005045, HP:0001639.
Cardiomyopathy (CMYO). Also called: Cardiomyopathies. Identifiers: Orphanet 167848, MedGen C0878544, MONDO:0004994, HP:0001638. Inheritance: Various modes of inheritance.

Submissions (3):

Molecular Diagnostic Laboratory for Inherited Cardiovascular Disease, Montreal Heart Institute
Classification: Pathogenic for Cardiovascular phenotype. Last evaluated: 2024-11-21. Review status: criteria provided, single submitter. Criteria: ACMG Guidelines, 2015. Collection method: clinical testing. Allele origin: germline. Affected: yes.
Comment: PVS1, PM2, PS4_supp

CHEO Genetics Diagnostic Laboratory, Children's Hospital of Eastern Ontario
Classification: Likely pathogenic for Cardiomyopathy. Last evaluated: 2021-07-15. Review status: criteria provided, single submitter. Criteria: ACMG Guidelines, 2015. Collection method: clinical testing. Allele origin: germline.

Laboratory for Molecular Medicine, Mass General Brigham Personalized Medicine
Classification: Pathogenic for Hypertrophic cardiomyopathy. Last evaluated: 2013-03-04. Review status: no assertion criteria provided. Collection method: clinical testing. Allele origin: germline. Inheritance: Autosomal dominant inheritance. Observed: 1 variant allele. Not counted in ClinVar's aggregate classification.
Comment: proposed classification - variant undergoing re-assessment, contact laboratory